The following is an entry in ClinVar:

NM_000256.3(MYBPC3):c.3206C>T (p.Pro1069Leu)

Gene: MYBPC3 (myosin binding protein C3; minus strand). Cytogenetic location: 11p11.2.
Variant type: single nucleotide variant.
Coding change: c.3206C>T on transcript NM_000256.3 (MANE Select); coding-DNA position 3206, C replaced by T.
Protein change: p.Pro1069Leu; replaces proline 1069 with leucine.
Molecular consequence: missense variant.
Genome position (GRCh38, 1-based): chr11:47,333,318, G>A on the plus strand (C>T on the coding strand, the complement: MYBPC3 is on the minus strand). VCF-style: chr11-47333318-G-A. GRCh37 (hg19) VCF-style: chr11-47354869-G-A.
Other names: short protein forms P1069L.
Identifiers: ClinVar variation 4756698 (VCV004756698.1).

ClinVar aggregate classification (germline): Uncertain significance (1 of 4 stars; one submission).

Conditions:
Cardiomyopathy (CMYO). Also called: Cardiomyopathies. Identifiers: Orphanet 167848, MedGen C0878544, MONDO:0004994, HP:0001638. Inheritance: Various modes of inheritance.

gnomAD v4.1: 1 of 1,582,734 alleles (0.000063%); highest among the groups gnomAD compares: Non-Finnish European, 0.000086%; no homozygotes.

Submission:

Color Diagnostics, LLC DBA Color Health
Classification: Uncertain significance for Cardiomyopathy. Last evaluated: 2025-05-05. Review status: criteria provided, single submitter. Criteria: ACMG Guidelines, 2015. Collection method: clinical testing. Allele origin: germline.
Comment: This missense variant replaces proline with leucine at codon 1069 of the MYBPC3 protein. Computational prediction suggests that this variant may have deleterious impact on protein structure and function. To our knowledge, functional studies have not been reported for this variant. This variant has not been reported in individuals affected with MYBPC3-related disorders in the literature. This variant has not been identified in the general population by the Genome Aggregation Database (gnomAD). The available evidence is insufficient to determine the role of this variant in disease conclusively. Therefore, this variant is classified as a Variant of Uncertain Significance.